The following is an entry in ClinVar:

ClinVar aggregate classification (germline): Uncertain significance. Review status: criteria provided, multiple submitters, no conflicts (2 of 4 stars). 2 submissions from 2 submitters: Uncertain significance (2). Last evaluated 2024-08-30.

Conditions:
Inborn genetic diseases. Identifiers: MedGen C0950123, MeSH D030342.
Congenital myotonia, autosomal dominant form (THD). Also called: THOMSEN DISEASE; Myotonia congenita autosomal dominant. Identifiers: Orphanet 614, MedGen C2936781, MONDO:0008055, OMIM 160800.
Congenital myotonia, autosomal recessive form. Also called: Becker Generalized Myotonia; myotonia congenita, autosomal recessive; BECKER DISEASE. Identifiers: Orphanet 614, MedGen C0751360, MONDO:0009715, OMIM 255700.

gnomAD v4.1: 5 of 1,612,730 alleles (0.00031%); highest among the groups gnomAD compares: African/African-American, 0.004%; no homozygotes.

Submissions (2):

Labcorp Genetics (formerly Invitae), Labcorp
Classification: Uncertain significance for Congenital myotonia, autosomal recessive form; Congenital myotonia, autosomal dominant form. Last evaluated: 2024-08-30. Review status: criteria provided, single submitter. Criteria: Invitae Variant Classification Sherloc (09022015). Collection method: clinical testing. Allele origin: germline.
Comment: This sequence change replaces glutamine, which is neutral and polar, with proline, which is neutral and non-polar, at codon 43 of the CLCN1 protein (p.Gln43Pro). This variant is not present in population databases (gnomAD no frequency). This variant has not been reported in the literature in individuals affected with CLCN1-related conditions. ClinVar contains an entry for this variant (Variation ID: 837659). Invitae Evidence Modeling of protein sequence and biophysical properties (such as structural, functional, and spatial information, amino acid conservation, physicochemical variation, residue mobility, and thermodynamic stability) has been performed for this missense variant. However, the output from this modeling did not meet the statistical confidence thresholds required to predict the impact of this variant on CLCN1 protein function. This variant disrupts the p.Gln43 amino acid residue in CLCN1. Other variant(s) that disrupt this residue have been determined to be pathogenic (PMID: 26502825, 31567646). This suggests that this residue is clinically significant, and that variants that disrupt this residue are likely to be disease-causing. In summary, the available evidence is currently insufficient to determine the role of this variant in disease. Therefore, it has been classified as a Variant of Uncertain Significance.

Ambry Genetics
Classification: Uncertain significance for Inborn genetic diseases. Last evaluated: 2021-07-21. Review status: criteria provided, single submitter. Criteria: Ambry Variant Classification Scheme 2023. Collection method: clinical testing. Allele origin: germline.

Literature cited by the submitters: PubMed 26502825 (cited by Labcorp Genetics (formerly Invitae), Labcorp); PubMed 31567646 (cited by Labcorp Genetics (formerly Invitae), Labcorp).

NM_000083.3(CLCN1):c.128A>C (p.Gln43Pro)

Gene: CLCN1 (chloride voltage-gated channel 1; plus strand). Cytogenetic location: 7q34.
Variant type: single nucleotide variant.
Coding change: c.128A>C on transcript NM_000083.3 (MANE Select); coding-DNA position 128, A replaced by C.
Protein change: p.Gln43Pro; replaces glutamine 43 with proline.
Molecular consequence: missense variant. On other transcripts: non-coding transcript variant (1).
Genome position (GRCh38, 1-based): chr7:143,316,340, A>C. VCF-style: chr7-143316340-A-C. GRCh37 (hg19) VCF-style: chr7-143013433-A-C.
Other names: short protein forms Q43P.
Identifiers: ClinVar variation 837659 (VCV000837659.7), dbSNP rs868831424, ClinGen allele CA168249802.